The following is an entry in ClinVar:

ClinVar aggregate classification (germline): Likely pathogenic (1 of 4 stars; one submission).

Conditions:
Tuberous sclerosis 1 (TSC1). Identifiers: Orphanet 805, MedGen C1854465, MONDO:0008612, OMIM 191100.

Submission:

Labcorp Genetics (formerly Invitae), Labcorp
Classification: Likely pathogenic for Tuberous sclerosis 1. Last evaluated: 2019-01-29. Review status: criteria provided, single submitter. Criteria: Invitae Variant Classification Sherloc (09022015). Collection method: clinical testing. Allele origin: germline.
Comment: In summary, the currently available evidence indicates that the variant is pathogenic, but additional data are needed to prove that conclusively. Therefore, this variant has been classified as Likely Pathogenic. Algorithms developed to predict the effect of missense changes on protein structure and function are either unavailable or do not agree on the potential impact of this missense change (SIFT: "Deleterious"; PolyPhen-2: "Probably Damaging"; Align-GVGD: "Class C0"). This variant has been observed to be de novo in an individual with clinical features of tuberous sclerosis complex (Invitae). This variant is not present in population databases (ExAC no frequency). This sequence change replaces valine with glutamic acid at codon 42 of the TSC1 protein (p.Val42Glu). The valine residue is highly conserved and there is a moderate physicochemical difference between valine and glutamic acid.

NM_000368.5(TSC1):c.125T>A (p.Val42Glu)

Gene: TSC1 (TSC complex subunit 1; minus strand). Cytogenetic location: 9q34.13.
Variant type: single nucleotide variant.
Coding change: c.125T>A on transcript NM_000368.5 (MANE Select); coding-DNA position 125, T replaced by A.
Protein change: p.Val42Glu; replaces valine 42 with glutamic acid.
Molecular consequence: missense variant. On other transcripts: intron variant (1).
Genome position (GRCh38, 1-based): chr9:132,927,286, A>T on the plus strand (T>A on the coding strand, the complement: TSC1 is on the minus strand). VCF-style: chr9-132927286-A-T. GRCh37 (hg19) VCF-style: chr9-135802673-A-T.
Other names: c.125T>A, p.Val42Glu (NM_001162426.2, NM_001162427.2); c.-154+1481T>A (NM_001362177.2); short protein forms V42E.
Identifiers: ClinVar variation 841196 (VCV000841196.9), dbSNP rs1846926218, ClinGen allele CA375375204.
Genomic context (GRCh38, chr9:132,927,286, plus strand): 5'-GTCAGGATGTGCAATGCCGGCTGAGAGCTGGTTTCCAGGTAATAATCCACCAAGGTGTTT[A>T]CAAGCATAGGGCCACGGTCTAAATCAAGAAAAGGGCAATGGATGATACTTATTCCCCTTA-3'
Protein context (NP_000359.1, residues 32-52): NLNSDRGPML[Val42Glu]NTLVDYYLET